The following is an entry in ClinVar:

ClinVar aggregate classification (germline): Conflicting classifications of pathogenicity. Review status: criteria provided, conflicting classifications (1 of 4 stars). 4 submissions from 4 submitters: Uncertain significance (3); Likely benign (1). Last evaluated 2026-04-01.

Conditions:
Developmental and epileptic encephalopathy 94 (DEE94). Also called: Epileptic encephalopathy, childhood-onset; CHD2-Related Neurodevelopmental Disorders. Identifiers: Orphanet 1942, Orphanet 2382, MedGen C3809278, MONDO:0014150, OMIM 615369.

Allele frequency attached by ClinVar (database versions not stated): TOPMed below 0.00001; gnomAD 0.00001; gnomAD exomes 0.00001.
gnomAD v4.1: 9 of 1,613,586 alleles (0.00056%); highest among the groups gnomAD compares: South Asian, 0.0011%; no homozygotes.

Submissions (4):

CeGaT Center for Human Genetics Tuebingen
Classification: Uncertain significance. Last evaluated: 2026-04-01. Review status: criteria provided, single submitter. Criteria: CeGaT Center For Human Genetics Tuebingen Variant Classification Criteria Version 2. Collection method: clinical testing. Allele origin: germline. Affected: yes. Observed: 1 variant allele.
Comment: CHD2: PM2:Supporting, PP2

Labcorp Genetics (formerly Invitae), Labcorp
Classification: Uncertain significance for Developmental and epileptic encephalopathy 94. Last evaluated: 2024-07-08. Review status: criteria provided, single submitter. Criteria: Invitae Variant Classification Sherloc (09022015). Collection method: clinical testing. Allele origin: germline.
Comment: This sequence change replaces proline, which is neutral and non-polar, with leucine, which is neutral and non-polar, at codon 1298 of the CHD2 protein (p.Pro1298Leu). This variant is not present in population databases (gnomAD no frequency). This missense change has been observed in individual(s) with clinical features of CHD2-related conditions (Invitae). ClinVar contains an entry for this variant (Variation ID: 582430). Advanced modeling of protein sequence and biophysical properties (such as structural, functional, and spatial information, amino acid conservation, physicochemical variation, residue mobility, and thermodynamic stability) performed at Invitae indicates that this missense variant is not expected to disrupt CHD2 protein function with a negative predictive value of 95%. In summary, the available evidence is currently insufficient to determine the role of this variant in disease. Therefore, it has been classified as a Variant of Uncertain Significance.

Blueprint Genetics
Classification: Likely benign. Last evaluated: 2023-06-19. Review status: criteria provided, single submitter. Criteria: ACMG Guidelines, 2015. Collection method: clinical testing. Allele origin: germline.

GeneDx
Classification: Uncertain significance. Last evaluated: 2022-02-25. Review status: criteria provided, single submitter. Criteria: GeneDx Variant Classification Process June 2021. Collection method: clinical testing. Allele origin: germline. Affected: yes.
Comment: Not observed at significant frequency in large population cohorts (gnomAD); In silico analysis supports that this missense variant does not alter protein structure/function; Has not been previously published as pathogenic or benign to our knowledge

NM_001271.4(CHD2):c.3893C>T (p.Pro1298Leu)

Gene: CHD2 (chromodomain helicase DNA binding protein 2; plus strand). Cytogenetic location: 15q26.1.
Variant type: single nucleotide variant.
Coding change: c.3893C>T on transcript NM_001271.4 (MANE Select); coding-DNA position 3893, C replaced by T.
Protein change: p.Pro1298Leu; replaces proline 1298 with leucine.
Molecular consequence: missense variant.
Genome position (GRCh38, 1-based): chr15:92,998,506, C>T. VCF-style: chr15-92998506-C-T. GRCh37 (hg19) VCF-style: chr15-93541736-C-T.
Other names: short protein forms P1298L.
Identifiers: ClinVar variation 582430 (VCV000582430.13), dbSNP rs1273405855, ClinGen allele CA393899194.